The following is an entry in ClinVar:

NM_018723.4(RBFOX1):c.340T>A (p.Ser114Thr)

Genes: RBFOX1 (RNA binding fox-1 homolog 1; plus strand), LOC126862278 (CDK7 strongly-dependent group 2 enhancer GRCh37_chr16:7629446-7630645; plus strand). Cytogenetic location: 16p13.3.
Variant type: single nucleotide variant.
Coding change: c.340T>A on transcript NM_018723.4 (MANE Select); coding-DNA position 340, T replaced by A.
Protein change: p.Ser114Thr; replaces serine 114 with threonine.
Molecular consequence: missense variant.
Genome position (GRCh38, 1-based): chr16:7,579,846, T>A. VCF-style: chr16-7579846-T-A. GRCh37 (hg19) VCF-style: chr16-7629848-T-A.
Other names: c.340T>A, p.Ser114Thr (NM_001142333.2, NM_001142334.2, NM_001364800.2 and 1 more transcripts); c.469T>A, p.Ser157Thr (NM_001308117.1, NM_001411047.1, NM_001415891.1 and 5 more transcripts); c.937T>A, p.Ser313Thr (NM_001415887.1, NM_001415888.1); c.448T>A, p.Ser150Thr (NM_001415889.1, NM_001415892.1, NM_001415894.1 and 5 more transcripts); c.415T>A, p.Ser139Thr (NM_001415890.1, NM_001415893.1, NM_001415899.1 and 4 more transcripts); c.400T>A, p.Ser134Thr (NM_001415896.1, NM_001415904.1, NM_001415906.1 and 4 more transcripts); c.346T>A, p.Ser116Thr (NM_001415902.1, NM_001415911.1, NM_001415917.1); short protein forms S114T, S139T, S116T, S313T, S134T, S150T, S157T.
Identifiers: ClinVar variation 4741185 (VCV004741185.1).

ClinVar aggregate classification (germline): Uncertain significance (1 of 4 stars; one submission).

Conditions:
Idiopathic generalized epilepsy. Also called: Generalised epilepsy; EIG. Identifiers: MedGen C0270850, MONDO:0005579, OMIM 600669.

Submission:

Labcorp Genetics (formerly Invitae), Labcorp
Classification: Uncertain significance for Idiopathic generalized epilepsy. Last evaluated: 2025-08-30. Review status: criteria provided, single submitter. Criteria: Invitae Variant Classification Sherloc (09022015). Collection method: clinical testing. Allele origin: germline.
Comment: This sequence change replaces serine, which is neutral and polar, with threonine, which is neutral and polar, at codon 134 of the RBFOX1 protein (p.Ser134Thr). This variant is not present in population databases (gnomAD no frequency). This variant has not been reported in the literature in individuals affected with RBFOX1-related conditions. Invitae Evidence Modeling of protein sequence and biophysical properties (such as structural, functional, and spatial information, amino acid conservation, physicochemical variation, residue mobility, and thermodynamic stability) indicates that this missense variant is not expected to disrupt RBFOX1 protein function with a negative predictive value of 80%. In summary, the available evidence is currently insufficient to determine the role of this variant in disease. Therefore, it has been classified as a Variant of Uncertain Significance.